The following is an entry in ClinVar:

ClinVar aggregate classification (germline): Uncertain significance (1 of 4 stars; one submission).

Conditions:
Gastrointestinal stromal tumor. Also called: Gastrointestinal stromal tumor, somatic; Gastrointestinal stroma tumor. Identifiers: Orphanet 44890, MedGen C0238198, MeSH D046152, MONDO:0011719, OMIM 606764, HP:0100723.

Submission:

Labcorp Genetics (formerly Invitae), Labcorp
Classification: Uncertain significance for Gastrointestinal stromal tumor. Last evaluated: 2023-09-03. Review status: criteria provided, single submitter. Criteria: Invitae Variant Classification Sherloc (09022015). Collection method: clinical testing. Allele origin: germline.
Comment: In summary, the available evidence is currently insufficient to determine the role of this variant in disease. Therefore, it has been classified as a Variant of Uncertain Significance. This variant has not been reported in the literature in individuals affected with PDGFRA-related conditions. This variant is not present in population databases (gnomAD no frequency). This sequence change creates a premature translational stop signal (p.Gln619*) in the PDGFRA gene. It is expected to result in an absent or disrupted protein product. However, the current clinical and genetic evidence is not sufficient to establish whether loss-of-function variants in PDGFRA cause disease.

NM_006206.6(PDGFRA):c.1855C>T (p.Gln619Ter)

Gene: PDGFRA (platelet derived growth factor receptor alpha; plus strand). Cytogenetic location: 4q12.
Variant type: single nucleotide variant.
Coding change: c.1855C>T on transcript NM_006206.6 (MANE Select); coding-DNA position 1855, C replaced by T.
Protein change: p.Gln619Ter; replaces glutamine 619 with a stop codon.
Molecular consequence: nonsense.
Genome position (GRCh38, 1-based): chr4:54,277,456, C>T. VCF-style: chr4-54277456-C-T. GRCh37 (hg19) VCF-style: chr4-55143623-C-T.
Other names: c.1855C>T, p.Gln619Ter (NM_001347827.2, NM_001347829.2); c.1930C>T, p.Gln644Ter (NM_001347828.2); c.1894C>T, p.Gln632Ter (NM_001347830.2); short protein forms Q619*, Q644*, Q632*.
Identifiers: ClinVar variation 2757709 (VCV002757709.3), dbSNP rs2110309081, ClinGen allele CA356893468.